The following is an entry in ClinVar:

ClinVar aggregate classification (germline): Uncertain significance (1 of 4 stars; one submission).

Submission:

Labcorp Genetics (formerly Invitae), Labcorp
Classification: Uncertain significance. Last evaluated: 2022-08-22. Review status: criteria provided, single submitter. Criteria: Invitae Variant Classification Sherloc (09022015). Collection method: clinical testing. Allele origin: germline.
Comment: This variant, c.176_199del, results in the deletion of 8 amino acid(s) of the SLC39A7 protein (p.Ser59_His66del), but otherwise preserves the integrity of the reading frame. This variant is present in population databases (rs775953450, gnomAD 0.01%). This variant has not been reported in the literature in individuals affected with SLC39A7-related conditions. ClinVar contains an entry for this variant (Variation ID: 1025943). Experimental studies and prediction algorithms are not available or were not evaluated, and the functional significance of this variant is currently unknown. Algorithms developed to predict the effect of sequence changes on RNA splicing suggest that this variant may disrupt the consensus splice site. In summary, the available evidence is currently insufficient to determine the role of this variant in disease. Therefore, it has been classified as a Variant of Uncertain Significance.

NM_006979.3(SLC39A7):c.176_199del (p.Ser59_His66del)

Gene: SLC39A7 (solute carrier family 39 member 7; plus strand). Cytogenetic location: 6p21.32.
Variant type: Deletion.
Coding change: c.176_199del on transcript NM_006979.3 (MANE Select); coding-DNA positions 176 to 199, 24 bases deleted (GCCATGCCCATGGCCATGGCCACA).
Protein change: p.Ser59_His66del.
Molecular consequence: inframe deletion. On other transcripts: intron variant (1).
Genome position (GRCh38, 1-based): chr6:33,201,421-33,201,444, GCCATGCCCATGGCCATGGCCACA deleted; deleting any 24 consecutive bases within chr6:33,201,410-33,201,444 gives the same sequence; the c. name uses the placement nearest the transcript's 3' end. VCF-style (leftmost placement, unchanged base first): chr6-33201409-ACCATGGCCACAGCCATGCCCATGG-A. GRCh37 (hg19) VCF-style: chr6-33169186-ACCATGGCCACAGCCATGCCCATGG-A.
Other names: c.176_199del, p.Ser59_His66del (NM_001077516.2); c.52+33_52+56del (NM_001288777.2).
Identifiers: ClinVar variation 1025943 (VCV001025943.6), dbSNP rs768947814, ClinGen allele CA3752204.